The following is an entry in ClinVar:

ClinVar aggregate classification (germline): Conflicting classifications of pathogenicity. Review status: criteria provided, conflicting classifications (1 of 4 stars). 2 submissions from 2 submitters: Uncertain significance (1); Likely benign (1). Last evaluated 2023-03-23.

Conditions:
Hereditary cancer-predisposing syndrome. Also called: Neoplastic Syndromes, Hereditary; Tumor predisposition; Hereditary Cancer Syndrome; Hereditary neoplastic syndrome. Identifiers: Orphanet 140162, MedGen C0027672, MeSH D009386, MONDO:0015356.

Allele frequency attached by ClinVar (database versions not stated): TOPMed below 0.00001.

Submissions (2):

University of Washington Department of Laboratory Medicine, University of Washington
Classification: Likely benign for Hereditary cancer-predisposing syndrome. Last evaluated: 2023-03-23. Review status: criteria provided, single submitter. Criteria: Dines et al. (Genet Med. 2020). Collection method: curation. Allele origin: germline.
Comment: Missense variant in a coldspot region where missense variants are very unlikely to be pathogenic (PMID:31911673).

BRCA2 exon 11 coldspot. Reclassification based on statistical prior probability.

Ambry Genetics
Classification: Uncertain significance for Hereditary cancer-predisposing syndrome. Last evaluated: 2021-07-23. Review status: criteria provided, single submitter. Criteria: Ambry Variant Classification Scheme 2023. Collection method: clinical testing. Allele origin: germline.
Comment: The p.K644I variant (also known as c.1931A>T), located in coding exon 10 of the BRCA2 gene, results from an A to T substitution at nucleotide position 1931. The lysine at codon 644 is replaced by isoleucine, an amino acid with dissimilar properties. This amino acid position is not well conserved in available vertebrate species. In addition, this alteration is predicted to be tolerated by in silico analysis. Since supporting evidence is limited at this time, the clinical significance of this alteration remains unclear.

NM_000059.4(BRCA2):c.1931A>T (p.Lys644Ile)

Gene: BRCA2 (BRCA2 DNA repair associated; plus strand). Cytogenetic location: 13q13.1.
Variant type: single nucleotide variant.
Coding change: c.1931A>T on transcript NM_000059.4 (MANE Select); coding-DNA position 1931, A replaced by T.
Protein change: p.Lys644Ile; replaces lysine 644 with isoleucine.
Molecular consequence: missense variant.
Genome position (GRCh38, 1-based): chr13:32,336,286, A>T. VCF-style: chr13-32336286-A-T. GRCh37 (hg19) VCF-style: chr13-32910423-A-T.
Other names: short protein forms K644I.
Identifiers: ClinVar variation 485406 (VCV000485406.7), dbSNP rs1555282365, ClinGen allele CA387768312.